The following is an entry in ClinVar:

NM_000540.3(RYR1):c.9356G>A (p.Arg3119His)

Gene: RYR1 (ryanodine receptor 1; plus strand). Cytogenetic location: 19q13.2.
Variant type: single nucleotide variant.
Coding change: c.9356G>A on transcript NM_000540.3 (MANE Select); coding-DNA position 9356, G replaced by A.
Protein change: p.Arg3119His; replaces arginine 3119 with histidine.
Molecular consequence: missense variant.
Genome position (GRCh38, 1-based): chr19:38,512,367, G>A. VCF-style: chr19-38512367-G-A. GRCh37 (hg19) VCF-style: chr19-39003007-G-A.
Other names: NM_000540.3(RYR1):c.9356G>A; p.Arg3119His; c.9356G>A, p.Arg3119His (NM_001042723.2); short protein forms R3119H.
Identifiers: ClinVar variation 133241 (VCV000133241.13), dbSNP rs193922833, ClinGen allele CA024980.
Genomic context (GRCh38, chr19:38,512,367, plus strand): 5'-CCTCGGAGGACATCGAGAAGATGGTGGAGAACCTGCGGCTGGGCAAGGTGTCGCAGGCGC[G>A]CACCCAGGTGAAAGGCGTGGGCCAGAACCTCACCTACACCACTGTGGCACTGCTGCCGGT-3'
Protein context (NP_000531.2, residues 3109-3129): NLRLGKVSQA[Arg3119His]TQVKGVGQNL

ClinVar aggregate classification (germline): Uncertain significance. Review status: reviewed by expert panel (3 of 4 stars). 8 submissions from 8 submitters: Uncertain significance (1). 7 of the submissions do not count toward it. Last evaluated 2025-08-01.

Conditions:
Congenital multicore myopathy with external ophthalmoplegia (CMYO1B). Also called: Congenital myopathy 1B, autosomal recessive; Minicore myopathy; MULTICORE MYOPATHY; MULTIMINICORE DISEASE WITH EXTERNAL OPHTHALMOPLEGIA; Minicore myopathy with external ophthalmoplegia. Identifiers: Orphanet 598, Orphanet 98905, MedGen C1850674, MONDO:0009712, OMIM 255320, HP:0003789.
Central core myopathy (CMYO1A). Also called: CONGENITAL MYOPATHY 1A, AUTOSOMAL DOMINANT, WITH SUSCEPTIBILITY TO MALIGNANT HYPERTHERMIA; Central core disease; Myopathy, central fibrillar. Identifiers: Orphanet 597, MedGen C5830701, MONDO:0007294, OMIM 117000.
King Denborough syndrome (KDS). Identifiers: MedGen C1840365, MONDO:0020485, OMIM 619542.
Malignant hyperthermia, susceptibility to, 1 (MHS1). Also called: Malignant hyperthermia suceptibility 1; Anesthesia related hyperthermia; Malignant hyperpyrexia; Fulminating hyperpyrexia; Pharmacogenic myopathy; RYR1-Related Malignant Hyperthermia Susceptibility. Identifiers: Orphanet 423, MedGen C2930980, MONDO:0007783, OMIM 145600.
Malignant hyperthermia of anesthesia. Also called: Anesthesic-triggered malignant hyperthermia. Identifiers: Orphanet 423, MedGen C0024591, MONDO:0018493, HP:0034733.

Allele frequency attached by ClinVar (database versions not stated): TOPMed 0.00002.
gnomAD v4.1: 16 of 1,613,902 alleles (0.00099%); highest among the groups gnomAD compares: East Asian, 0.018%; no homozygotes.

Submissions (8):

ClinGen Malignant Hyperthermia Susceptibility Variant Curation Expert Panel, ClinGen
Classification: Uncertain significance for Malignant hyperthermia of anesthesia. Last evaluated: 2025-08-01. Review status: reviewed by expert panel. Criteria: ClinGen MHS ACMG Specifications V2. Collection method: curation. Allele origin: germline. Inheritance: Autosomal dominant inheritance.
Comment: This pathogenicity assessment is relevant only for malignant hyperthermia susceptibility (MHS) inherited in an autosomal dominant pattern. Variants in RYR1 can also cause other myopathies inherited in an autosomal dominant pattern or in an autosomal recessive pattern. Some of these disorders may predispose individuals to malignant hyperthermia. RYR1 variants may also contribute to a malignant hyperthermia reaction in combination with other genetic and non-genetic factors and the clinician needs to consider such factors in making management decisions. This sequence variant predicts a substitution of arginine with histidine at codon 3119 of the RYR1 protein, p.(Arg3119His). The maximum allele frequency for this variant among the six major gnomAD populations is EAS: 0.000218, a frequency consistent with pathogenicity for MHS. To our knowledge this variant has not been reported in the literature in individuals who have a personal or family history of a malignant hyperthermia reaction. No functional studies were identified for this variant. This variant does not reside in a hotspot for pathogenic variants that contribute to MHS. A REVEL score of 0.711 supports neither a pathogenic nor a benign status for this variant. This variant has been classified as a Variant of Unknown Significance. No criteria implemented.

Color Diagnostics, LLC DBA Color Health
Classification: Uncertain significance for Malignant hyperthermia, susceptibility to, 1. Last evaluated: 2024-03-13. Review status: criteria provided, single submitter. Criteria: ACMG Guidelines, 2015. Collection method: clinical testing. Allele origin: germline. Not counted in ClinVar's aggregate classification.
Comment: This missense variant replaces arginine with histidine at codon 3119 of the RYR1 protein. Computational prediction tool is inconclusive regarding the impact of this variant on protein structure and function. To our knowledge, functional studies have not been reported for this variant. This variant has not been reported in individuals affected with malignant hyperthermia susceptibility, but it has been reported in individuals affected with other conditions (PMID: 16732084, 30611313). This variant has been identified in 4/251012 chromosomes in the general population by the Genome Aggregation Database (gnomAD). The available evidence is insufficient to determine the role of this variant in disease conclusively. Therefore, this variant is classified as a Variant of Uncertain Significance.

All of Us Research Program, National Institutes of Health
Classification: Uncertain significance for Malignant hyperthermia, susceptibility to, 1. Last evaluated: 2023-11-30. Review status: criteria provided, single submitter. Criteria: ACMG Guidelines, 2015. Collection method: clinical testing. Allele origin: germline. Inheritance: Autosomal dominant inheritance. Observed: 1 variant allele, 1 heterozygote. Not counted in ClinVar's aggregate classification.
Comment: This study involves interpretation of variants in research participants for the purpose of population health screening. Participant phenotype was not available at the time of variant classification. Additional details can be found in publication PMID: 35346344, PMCID: PMC8962531

GeneDx
Classification: Uncertain significance. Last evaluated: 2021-05-12. Review status: criteria provided, single submitter. Criteria: GeneDx Variant Classification Process June 2021. Collection method: clinical testing. Allele origin: germline. Affected: yes. Not counted in ClinVar's aggregate classification.
Comment: In silico analysis supports that this missense variant has a deleterious effect on protein structure/function; Reported previously in an individual with a diagnosis of malignant hyperthermia, elevated CK, and cores on muscle biopsy; however, this individual also harbored another RYR1 variant (Ibara et al., 2006); This variant is associated with the following publications: (PMID: 16917943, 16732084, 30611313)

Shenzhen Institute of Pediatrics, Shenzhen Children's Hospital
Classification: Uncertain significance for Central core myopathy. Last evaluated: 2017-07-22. Review status: criteria provided, single submitter. Criteria: ACMG Guidelines, 2015. Collection method: clinical testing. Allele origin: unknown. Inheritance: Autosomal dominant inheritance. Observed: 1 variant allele, 1 heterozygote. Not counted in ClinVar's aggregate classification.

PreventionGenetics, part of Exact Sciences
Classification: Uncertain significance. Last evaluated: 2016-04-25. Review status: criteria provided, single submitter. Criteria: ACMG Guidelines, 2015. Collection method: clinical testing. Allele origin: germline. Not counted in ClinVar's aggregate classification.

Juno Genomics, Hangzhou Juno Genomics, Inc
Classification: Uncertain significance for Central core myopathy; Congenital multicore myopathy with external ophthalmoplegia; Malignant hyperthermia, susceptibility to, 1; King Denborough syndrome. Review status: criteria provided, single submitter. Criteria: ACMG Guidelines, 2015. Collection method: clinical testing. Allele origin: germline. Not counted in ClinVar's aggregate classification.
Comment: Absent from controls (or at extremely low frequency if recessive) in Genome Aggregation Database.;Multiple lines of computational evidence support a deleterious effect on the gene or gene product.

RYR1 database
No classification provided. Review status: no classification provided. Collection method: not provided. Allele origin: unknown. Not counted in ClinVar's aggregate classification.

Literature cited by the submitters: PubMed 16732084 (cited by Color Diagnostics, LLC DBA Color Health); PubMed 30611313 (cited by Color Diagnostics, LLC DBA Color Health).